The following is an entry in ClinVar:

NM_030973.4(MED25):c.1148_1165del (p.Gln383_Ala388del)

Gene: MED25 (mediator complex subunit 25; plus strand). Cytogenetic location: 19q13.33.
Variant type: Deletion.
Coding change: c.1148_1165del on transcript NM_030973.4 (MANE Select); coding-DNA positions 1148 to 1165, 18 bases deleted (AGCTGGGAGCCCCAGCCC).
Protein change: p.Gln383_Ala388del.
Molecular consequence: inframe deletion.
Genome position (GRCh38, 1-based): chr19:49,831,379-49,831,396, AGCTGGGAGCCCCAGCCC deleted; deleting any 18 consecutive bases within chr19:49,831,370-49,831,396 gives the same sequence; the c. name uses the placement nearest the transcript's 3' end. VCF-style (leftmost placement, unchanged base first): chr19-49831369-TCCCCAGCCCAGCTGGGAG-T. GRCh37 (hg19) VCF-style: chr19-50334626-TCCCCAGCCCAGCTGGGAG-T.
Other names: c.1148_1165del, p.Gln383_Ala388del (NM_001378355.1).
Identifiers: ClinVar variation 1428964 (VCV001428964.6), dbSNP rs765219800, ClinGen allele CA2573156604.

ClinVar aggregate classification (germline): Uncertain significance (1 of 4 stars; one submission).

Conditions:
Charcot-Marie-Tooth disease type 2. Also called: Charcot-Marie-Tooth type 2. Identifiers: Orphanet 64746, MedGen C0270914, MONDO:0018993.

Submission:

Labcorp Genetics (formerly Invitae), Labcorp
Classification: Uncertain significance for Charcot-Marie-Tooth disease type 2. Last evaluated: 2022-11-15. Review status: criteria provided, single submitter. Criteria: Invitae Variant Classification Sherloc (09022015). Collection method: clinical testing. Allele origin: germline.
Comment: This variant, c.1148_1165del, results in the deletion of 6 amino acid(s) of the MED25 protein (p.Gln383_Ala388del), but otherwise preserves the integrity of the reading frame. This variant is not present in population databases (gnomAD no frequency). This variant has not been reported in the literature in individuals affected with MED25-related conditions. ClinVar contains an entry for this variant (Variation ID: 1428964). Experimental studies and prediction algorithms are not available or were not evaluated, and the functional significance of this variant is currently unknown. In summary, the available evidence is currently insufficient to determine the role of this variant in disease. Therefore, it has been classified as a Variant of Uncertain Significance.